The following is an entry in ClinVar:

NM_004287.5(GOSR2):c.301C>T (p.Arg101Ter)

Genes: GOSR2 (golgi SNAP receptor complex member 2; plus strand), LRRC37A2 (leucine rich repeat containing 37 member A2), LOC126862578 (BRD4-independent group 4 enhancer GRCh37_chr17:45008344-45009543; plus strand). Cytogenetic location: 17q21.32.
Variant type: single nucleotide variant.
Coding change: c.301C>T on transcript NM_004287.5 (MANE Select); coding-DNA position 301, C replaced by T.
Protein change: p.Arg101Ter; replaces arginine 101 with a stop codon.
Molecular consequence: nonsense. On other transcripts: non-coding transcript variant (3).
Genome position (GRCh38, 1-based): chr17:46,932,164, C>T. VCF-style: chr17-46932164-C-T. GRCh37 (hg19) VCF-style: chr17-45009530-C-T.
Other names: c.301C>T, p.Arg101Ter (NM_001012511.3, NM_001321133.2, NM_001330252.2 and 1 more transcripts); c.247C>T, p.Arg83Ter (NM_001321134.2, NM_001363851.2); c.298C>T, p.Arg100Ter (NM_001353114.2, NM_001353115.2, NM_001353116.2); short protein forms R101*, R83*, R100*.
Identifiers: ClinVar variation 1372090 (VCV001372090.6), dbSNP rs764802895, ClinGen allele CA8621224.

ClinVar aggregate classification (germline): Pathogenic (1 of 4 stars; one submission).

Conditions:
Progressive myoclonic epilepsy. Also called: Familial progressive myoclonic epilepsy; Myoclonus epilepsy; Progressive myoclonus epilepsy; Myoclonic Epilepsies, Progressive. Identifiers: Orphanet 308, Orphanet 98261, MedGen C0751778, MONDO:0020074.

Allele frequency attached by ClinVar (database versions not stated): gnomAD 0.00001 and 0.00002; gnomAD exomes 0.00001 and 0.00002; TOPMed 0.00001; ExAC 0.00002.
gnomAD v4.1: 37 of 1,614,080 alleles (0.0023%); highest among the groups gnomAD compares: South Asian, 0.0088%; no homozygotes.

Submission:

Labcorp Genetics (formerly Invitae), Labcorp
Classification: Pathogenic for Progressive myoclonic epilepsy. Last evaluated: 2022-06-24. Review status: criteria provided, single submitter. Criteria: Invitae Variant Classification Sherloc (09022015). Collection method: clinical testing. Allele origin: germline.
Comment: For these reasons, this variant has been classified as Pathogenic. Algorithms developed to predict the effect of sequence changes on RNA splicing suggest that this variant may create or strengthen a splice site. This variant has not been reported in the literature in individuals affected with GOSR2-related conditions. This variant is present in population databases (rs764802895, gnomAD 0.003%). This sequence change creates a premature translational stop signal (p.Arg101*) in the GOSR2 gene. It is expected to result in an absent or disrupted protein product. Loss-of-function variants in GOSR2 are known to be pathogenic (PMID: 21549339).

Literature cited by the submitters: PubMed 21549339.